The following is an entry in ClinVar:

ClinVar aggregate classification (germline): Conflicting classifications of pathogenicity. Review status: criteria provided, conflicting classifications (1 of 4 stars). 5 submissions from 5 submitters: Uncertain significance (4); Likely benign (1). Last evaluated 2026-06-22.

Conditions:
PLEC-related disorder. Also called: PLEC-related disorders; PLEC-related condition.
Autosomal recessive limb-girdle muscular dystrophy type 2Q (LGMDR17). Also called: MUSCULAR DYSTROPHY, LIMB-GIRDLE, AUTOSOMAL RECESSIVE 17. Identifiers: Orphanet 254361, MedGen C3150989, MONDO:0013390, OMIM 613723.
Epidermolysis bullosa simplex 5B, with muscular dystrophy (EBS5B). Also called: EPIDERMOLYSIS BULLOSA SIMPLEX AND LIMB-GIRDLE MUSCULAR DYSTROPHY; Epidermolysis bullosa simplex with muscular dystrophy. Identifiers: Orphanet 257, MedGen C2931072, MONDO:0009181, OMIM 226670.
Epidermolysis bullosa simplex with nail dystrophy (EBS5D). Identifiers: MedGen C4225309, MONDO:0014661, OMIM 616487.
Epidermolysis bullosa simplex, Ogna type (EBS5A). Also called: Pidermolysis bullosa simplex 5A, Ogna type; EPIDERMOLYSIS BULLOSA SIMPLEX 5A, OGNA TYPE. Identifiers: Orphanet 79401, MedGen C0432317, MONDO:0007555, OMIM 131950.
Epidermolysis bullosa simplex 5C, with pyloric atresia (EBS5C). Also called: PLEC1-Related Epidermolysis Bullosa with Pyloric Atresia; PLEC-Related Epidermolysis Bullosa with Pyloric Atresia; Epidermolysis bullosa simplex with pyloric atresia. Identifiers: Orphanet 158684, MedGen C2677349, MONDO:0012807, OMIM 612138.
Inborn genetic diseases. Identifiers: MedGen C0950123, MeSH D030342.

Allele frequency attached by ClinVar (database versions not stated): gnomAD 0.00001 and 0.00002; ExAC 0.00003; gnomAD exomes 0.00003; TOPMed 0.00004.
gnomAD v4.1: 48 of 1,612,930 alleles (0.003%); highest among the groups gnomAD compares: Middle Eastern, 0.016%; no homozygotes.

Submissions (5):

PreventionGenetics, part of Exact Sciences
Classification: Uncertain significance for PLEC-related condition. Last evaluated: 2026-06-22. Review status: criteria provided, single submitter. Criteria: ACMG Guidelines, 2015. Collection method: clinical testing. Allele origin: germline.
Comment: The PLEC c.9794C>T variant is predicted to result in the amino acid substitution p.Pro3265Leu. To our knowledge, this variant has not been reported in the literature. This variant is reported in 0.0054% of alleles in individuals of European (Non-Finnish) descent in gnomAD. At this time, the clinical significance of this variant is uncertain due to the absence of conclusive functional and genetic evidence.

Ambry Genetics
Classification: Uncertain significance for Inborn genetic diseases. Last evaluated: 2025-08-25. Review status: criteria provided, single submitter. Criteria: Ambry Variant Classification Scheme 2023. Collection method: clinical testing. Allele origin: germline.

Labcorp Genetics (formerly Invitae), Labcorp
Classification: Uncertain significance for Autosomal recessive limb-girdle muscular dystrophy type 2Q; Epidermolysis bullosa simplex, Ogna type; Epidermolysis bullosa simplex with nail dystrophy; Epidermolysis bullosa simplex 5C, with pyloric atresia; Epidermolysis bullosa simplex 5B, with muscular dystrophy. Last evaluated: 2023-08-14. Review status: criteria provided, single submitter. Criteria: Invitae Variant Classification Sherloc (09022015). Collection method: clinical testing. Allele origin: germline.
Comment: This sequence change replaces proline, which is neutral and non-polar, with leucine, which is neutral and non-polar, at codon 3265 of the PLEC protein (p.Pro3265Leu). This variant is present in population databases (rs782085661, gnomAD 0.005%). This variant has not been reported in the literature in individuals affected with PLEC-related conditions. ClinVar contains an entry for this variant (Variation ID: 390991). An algorithm developed to predict the effect of missense changes on protein structure and function (PolyPhen-2) suggests that this variant is likely to be tolerated. In summary, the available evidence is currently insufficient to determine the role of this variant in disease. Therefore, it has been classified as a Variant of Uncertain Significance.

Revvity Omics, Revvity
Classification: Uncertain significance. Last evaluated: 2019-10-30. Review status: criteria provided, single submitter. Criteria: ACMG Guidelines, 2015. Collection method: clinical testing. Allele origin: germline.

GeneDx
Classification: Likely benign. Last evaluated: 2016-11-23. Review status: criteria provided, single submitter. Criteria: GeneDx Variant Classification (06012015). Collection method: clinical testing. Allele origin: germline. Affected: yes.
Comment: This variant is considered likely benign or benign based on one or more of the following criteria: it is a conservative change, it occurs at a poorly conserved position in the protein, it is predicted to be benign by multiple in silico algorithms, and/or has population frequency not consistent with disease.

NM_201384.3(PLEC):c.9713C>T (p.Pro3238Leu)

Gene: PLEC (plectin; minus strand). Cytogenetic location: 8q24.3.
Variant type: single nucleotide variant.
Coding change: c.9713C>T on transcript NM_201384.3 (MANE Select); coding-DNA position 9713, C replaced by T.
Protein change: p.Pro3238Leu; replaces proline 3238 with leucine.
Molecular consequence: missense variant.
Genome position (GRCh38, 1-based): chr8:143,920,108, G>A on the plus strand (C>T on the coding strand, the complement: PLEC is on the minus strand). VCF-style: chr8-143920108-G-A. GRCh37 (hg19) VCF-style: chr8-144994276-G-A.
Other names: c.9794C>T, p.Pro3265Leu (NM_000445.5); c.9671C>T, p.Pro3224Leu (NM_201378.4); c.9647C>T, p.Pro3216Leu (NM_201379.3); c.10124C>T, p.Pro3375Leu (NM_201380.4); c.9617C>T, p.Pro3206Leu (NM_201381.3); c.9713C>T, p.Pro3238Leu (NM_201382.4); c.9725C>T, p.Pro3242Leu (NM_201383.3); short protein forms P3206L, P3216L, P3224L, P3238L, P3242L, P3265L, P3375L.
Identifiers: ClinVar variation 390991 (VCV000390991.13), dbSNP rs782085661, ClinGen allele CA4924879.
Genomic context (GRCh38, chr8:143,920,108, plus strand): 5'-CTGATGAGCTCCCACACCGTCACCGTCCTGCCCTTGAAGCCACCCACGGGGACCTCAACC[G>A]GGGTCTTTTCAAAGGTCTCACGGGCCTGCAGCTCTGAGTAGAGCTCCTCCTGCCGGGCCC-3'
Protein context (NP_958786.1, residues 3228-3248): LQARETFEKT[Pro3238Leu]VEVPVGGFKG